The following is an entry in ClinVar:

NM_001042492.3(NF1):c.6580A>T (p.Arg2194Ter)

Gene: NF1 (neurofibromin 1; plus strand). Cytogenetic location: 17q11.2.
Variant type: single nucleotide variant.
Coding change: c.6580A>T on transcript NM_001042492.3 (MANE Select); coding-DNA position 6580, A replaced by T.
Protein change: p.Arg2194Ter; replaces arginine 2194 with a stop codon.
Molecular consequence: nonsense.
Genome position (GRCh38, 1-based): chr17:31,337,520, A>T. VCF-style: chr17-31337520-A-T. GRCh37 (hg19) VCF-style: chr17-29664538-A-T.
Other names: c.6517A>T, p.Arg2173Ter (NM_000267.4); short protein forms R2194*, R2173*.
Identifiers: ClinVar variation 1433205 (VCV001433205.7), dbSNP rs2151556446, ClinGen allele CA399013322.

ClinVar aggregate classification (germline): Pathogenic. Review status: criteria provided, multiple submitters, no conflicts (2 of 4 stars). 2 submissions from 2 submitters: Pathogenic (2). Last evaluated 2025-06-05.

Conditions:
Neurofibromatosis, type 1 (NF1). Also called: Peripheral type neurofibromatosis; VON RECKLINGHAUSEN DISEASE; NEUROFIBROMATOSIS, TYPE I, SOMATIC; Neurofibromatosis, type I. Identifiers: Orphanet 636, MedGen C0027831, MONDO:0018975, OMIM 162200. Disease mechanism: loss of function.

Submissions (2):

NHS Central & South Genomic Laboratory Hub
Classification: Pathogenic for Neurofibromatosis type 1. Last evaluated: 2025-06-05. Review status: criteria provided, single submitter. Criteria: ACMG Guidelines, 2015. Collection method: clinical testing. Allele origin: germline. Affected: yes.

Labcorp Genetics (formerly Invitae), Labcorp
Classification: Pathogenic for Neurofibromatosis, type 1. Last evaluated: 2021-03-08. Review status: criteria provided, single submitter. Criteria: Invitae Variant Classification Sherloc (09022015). Collection method: clinical testing. Allele origin: germline.
Comment: This sequence change creates a premature translational stop signal (p.Arg2173*) in the NF1 gene. It is expected to result in an absent or disrupted protein product. Loss-of-function variants in NF1 are known to be pathogenic (PMID: 10712197, 23913538). This variant is not present in population databases (ExAC no frequency). This variant has not been reported in the literature in individuals with NF1-related conditions. Algorithms developed to predict the effect of sequence changes on RNA splicing suggest that this variant may create or strengthen a splice site, but this prediction has not been confirmed by published transcriptional studies. For these reasons, this variant has been classified as Pathogenic.

Literature cited by the submitters: PubMed 10712197 (cited by Labcorp Genetics (formerly Invitae), Labcorp); PubMed 23913538 (cited by Labcorp Genetics (formerly Invitae), Labcorp).